The following is an entry in ClinVar:

NM_001032386.2(SUOX):c.802C>T (p.Arg268Ter)

Gene: SUOX (sulfite oxidase; plus strand). Cytogenetic location: 12q13.2.
Variant type: single nucleotide variant.
Coding change: c.802C>T on transcript NM_001032386.2 (MANE Select); coding-DNA position 802, C replaced by T.
Protein change: p.Arg268Ter; replaces arginine 268 with a stop codon.
Molecular consequence: nonsense.
Genome position (GRCh38, 1-based): chr12:56,004,191, C>T. VCF-style: chr12-56004191-C-T. GRCh37 (hg19) VCF-style: chr12-56397975-C-T.
Other names: c.802C>T, p.Arg268Ter (NM_000456.3, NM_001032387.2); short protein forms R268*.
Identifiers: ClinVar variation 1401552 (VCV001401552.9), dbSNP rs1451449404, ClinGen allele CA385287953.

ClinVar aggregate classification (germline): Pathogenic (1 of 4 stars; one submission).

Conditions:
Sulfite oxidase deficiency. Also called: Isolated sulfite oxidase deficiency. Identifiers: Orphanet 833, Orphanet 99731, MedGen C0268624, MONDO:0010089, OMIM 272300, HP:0003643.

Allele frequency attached by ClinVar (database versions not stated): gnomAD exomes below 0.00001 and 0.00001; TOPMed below 0.00001.

Submission:

Labcorp Genetics (formerly Invitae), Labcorp
Classification: Pathogenic for Sulfite oxidase deficiency. Last evaluated: 2023-12-05. Review status: criteria provided, single submitter. Criteria: Invitae Variant Classification Sherloc (09022015). Collection method: clinical testing. Allele origin: germline.
Comment: This sequence change creates a premature translational stop signal (p.Arg268*) in the SUOX gene. While this is not anticipated to result in nonsense mediated decay, it is expected to disrupt the last 278 amino acid(s) of the SUOX protein. This variant is present in population databases (no rsID available, gnomAD 0.0009%). This variant has not been reported in the literature in individuals affected with SUOX-related conditions. ClinVar contains an entry for this variant (Variation ID: 1401552). This variant disrupts a region of the SUOX protein in which other variant(s) (p.Tyr400*) have been determined to be pathogenic (PMID: 12112661, 23994568). This suggests that this is a clinically significant region of the protein, and that variants that disrupt it are likely to be disease-causing. For these reasons, this variant has been classified as Pathogenic.

Literature cited by the submitters: PubMed 12112661; PubMed 23994568.